The following is an entry in ClinVar:

ClinVar aggregate classification (germline): Likely benign (0 of 4 stars; one submission).

Conditions:
PIBF1-related disorder. Also called: PIBF1-related condition.

Allele frequency attached by ClinVar (database versions not stated): 1000 Genomes Project 30x 0.00047; gnomAD 0.00063; TOPMed 0.00068; 1000 Genomes Project 0.00100.
gnomAD v4.1: 95 of 152,256 alleles (0.062%); highest among the groups gnomAD compares: African/African-American, 0.2%; no homozygotes.

Submission:

PreventionGenetics, part of Exact Sciences
Classification: Likely benign for PIBF1-related condition. Last evaluated: 2022-05-17. Review status: no assertion criteria provided. Collection method: clinical testing. Allele origin: germline.
Comment: This variant is classified as likely benign based on ACMG/AMP sequence variant interpretation guidelines (Richards et al. 2015 PMID: 25741868, with internal and published modifications).

NM_006346.4(PIBF1):c.1224-6667G>A

Gene: PIBF1 (progesterone immunomodulatory binding factor 1; plus strand). Cytogenetic location: 13q22.1.
Variant type: single nucleotide variant.
Coding change: c.1224-6667G>A on transcript NM_006346.4 (MANE Select); 6667 bases into the intron before coding-DNA position 1224, G replaced by A.
Molecular consequence: intron variant. On other transcripts: missense variant (1).
Genome position (GRCh38, 1-based): chr13:72,847,390, G>A. VCF-style: chr13-72847390-G-A. GRCh37 (hg19) VCF-style: chr13-73421528-G-A.
Other names: c.1253G>A, p.Arg418His (NM_001349655.2); short protein forms R418H.
Identifiers: ClinVar variation 3052182 (VCV003052182.2), dbSNP rs184790456, ClinGen allele CA252156248.